The following is an entry in ClinVar:

ClinVar aggregate classification (germline): Conflicting classifications of pathogenicity. Review status: criteria provided, conflicting classifications (1 of 4 stars). 7 submissions from 7 submitters: Uncertain significance (5); Benign (1); Likely benign (1). Last evaluated 2026-06-17.

Conditions:
Tuberous sclerosis 2 (TSC2). Identifiers: Orphanet 805, MedGen C1860707, MONDO:0013199, OMIM 613254.
Hereditary cancer-predisposing syndrome. Also called: Hereditary Cancer Syndrome; Tumor predisposition; Hereditary neoplastic syndrome; Neoplastic Syndromes, Hereditary. Identifiers: Orphanet 140162, MedGen C0027672, MeSH D009386, MONDO:0015356.

Allele frequency attached by ClinVar (database versions not stated): gnomAD 0.00002; TOPMed 0.00002; gnomAD exomes 0.00001.
gnomAD v4.1: 18 of 1,613,526 alleles (0.0011%); highest among the groups gnomAD compares: Non-Finnish European, 0.0013%; no homozygotes.

Submissions (7):

Ambry Genetics
Classification: Likely benign for Hereditary cancer-predisposing syndrome. Last evaluated: 2026-06-17. Review status: criteria provided, single submitter. Criteria: Ambry Variant Classification Scheme 2023. Collection method: clinical testing. Allele origin: germline.

Labcorp Genetics (formerly Invitae), Labcorp
Classification: Benign for Tuberous sclerosis 2. Last evaluated: 2026-01-24. Review status: criteria provided, single submitter. Criteria: Invitae Variant Classification Sherloc (09022015). Collection method: clinical testing. Allele origin: germline.

Laboratory of Medical Genetics, National & Kapodistrian University of Athens
Classification: Uncertain significance for Tuberous sclerosis 2. Last evaluated: 2021-12-15. Review status: criteria provided, single submitter. Criteria: ACMG Guidelines, 2015. Collection method: clinical testing. Allele origin: germline. Affected: yes.
Comment: PM2, PP2, BP1

Sema4
Classification: Uncertain significance for Hereditary cancer-predisposing syndrome. Last evaluated: 2021-11-15. Review status: criteria provided, single submitter. Criteria: Sema4 Curation Guidelines. Collection method: curation. Allele origin: germline.
Comment: The TSC2 c.2294C>T (p.A765V) variant has not been reported in the literature to our knowledge. This variant was observed in 2/15434 chromosomes in the Non-Finnish European subpopulation in the large and broad cohorts of the Genome Aggregation Database (PMID: 32461654). The variant has been reported in ClinVar (Variation ID: 281384). Functional studies have not been performed, and in silico predictions of the variant's effect on protein function are inconclusive. The evidence is insufficient to meet ACMG/AMP criteria for classifying the variant as benign or pathogenic. Thus, the clinical significance of this variant is currently uncertain.

Genome-Nilou Lab
Classification: Uncertain significance for Tuberous sclerosis 2. Last evaluated: 2021-11-07. Review status: criteria provided, single submitter. Criteria: ACMG Guidelines, 2015. Collection method: clinical testing. Allele origin: germline. Affected: no.

Center for Pediatric Genomic Medicine, Children's Mercy Hospital and Clinics
Classification: Uncertain significance. Last evaluated: 2017-05-19. Review status: criteria provided, single submitter. Criteria: ACMG Guidelines, 2015. Collection method: clinical testing. Allele origin: germline.

Eurofins Ntd Llc (ga)
Classification: Uncertain significance. Last evaluated: 2017-05-03. Review status: criteria provided, single submitter. Criteria: EGL Classification Definitions 2015. Collection method: clinical testing. Allele origin: germline. Observed: 1 variant allele, 1 heterozygote.

NM_000548.5(TSC2):c.2294C>T (p.Ala765Val)

Gene: TSC2 (TSC complex subunit 2; plus strand). Cytogenetic location: 16p13.3.
Variant type: single nucleotide variant.
Coding change: c.2294C>T on transcript NM_000548.5 (MANE Select); coding-DNA position 2294, C replaced by T.
Protein change: p.Ala765Val; replaces alanine 765 with valine.
Molecular consequence: missense variant.
Genome position (GRCh38, 1-based): chr16:2,072,922, C>T. VCF-style: chr16-2072922-C-T. GRCh37 (hg19) VCF-style: chr16-2122923-C-T.
Other names: c.2294C>T, p.Ala765Val (NM_001077183.3, NM_001114382.3, NM_001363528.2 and 3 more transcripts); c.2183C>T, p.Ala728Val (NM_001318827.2); c.2147C>T, p.Ala716Val (NM_001318829.2); c.1694C>T, p.Ala565Val (NM_001318831.2); c.2327C>T, p.Ala776Val (NM_001318832.2); short protein forms A765V, A565V, A776V, A728V, A716V.
Identifiers: ClinVar variation 281384 (VCV000281384.28), dbSNP rs886042145, ClinGen allele CA10603864.